The following is an entry in ClinVar:

NM_001261826.3(AP3D1):c.1927G>A (p.Ala643Thr)

Gene: AP3D1 (adaptor related protein complex 3 subunit delta 1; minus strand). Cytogenetic location: 19p13.3.
Variant type: single nucleotide variant.
Coding change: c.1927G>A on transcript NM_001261826.3 (MANE Select); coding-DNA position 1927, G replaced by A.
Protein change: p.Ala643Thr; replaces alanine 643 with threonine.
Molecular consequence: missense variant.
Genome position (GRCh38, 1-based): chr19:2,116,679, C>T on the plus strand (G>A on the coding strand, the complement: AP3D1 is on the minus strand). VCF-style: chr19-2116679-C-T. GRCh37 (hg19) VCF-style: chr19-2116678-C-T.
Other names: c.1927G>A, p.Ala643Thr (NM_001374799.1, NM_003938.8); short protein forms A643T.
Identifiers: ClinVar variation 4774256 (VCV004774256.1).

ClinVar aggregate classification (germline): Uncertain significance (1 of 4 stars; one submission).

gnomAD v4.1: 20 of 1,609,136 alleles (0.0012%); highest among the groups gnomAD compares: Non-Finnish European, 0.0017%; no homozygotes.

Submission:

Labcorp Genetics (formerly Invitae), Labcorp
Classification: Uncertain significance. Last evaluated: 2025-10-27. Review status: criteria provided, single submitter. Criteria: Invitae Variant Classification Sherloc (09022015). Collection method: clinical testing. Allele origin: germline.
Comment: This sequence change replaces alanine, which is neutral and non-polar, with threonine, which is neutral and polar, at codon 643 of the AP3D1 protein (p.Ala643Thr). The frequency data for this variant in the population databases is considered unreliable, as metrics indicate poor data quality at this position in the gnomAD database. This variant has not been reported in the literature in individuals affected with AP3D1-related conditions. An algorithm developed to predict the effect of missense changes on protein structure and function outputs the following: PolyPhen-2: "Benign". The threonine amino acid residue is found in multiple mammalian species, which suggests that this missense change does not adversely affect protein function. In summary, the available evidence is currently insufficient to determine the role of this variant in disease. Therefore, it has been classified as a Variant of Uncertain Significance.